The following is an entry in ClinVar:

ClinVar aggregate classification (germline): Pathogenic (1 of 4 stars; one submission).

Allele frequency attached by ClinVar (database versions not stated): gnomAD exomes below 0.00001; TOPMed below 0.00001.
gnomAD v4.1: 1 of 1,613,914 alleles (0.000062%); highest among the groups gnomAD compares: Admixed American, 0.0017%; no homozygotes.

Submission:

Labcorp Genetics (formerly Invitae), Labcorp
Classification: Pathogenic. Last evaluated: 2021-05-04. Review status: criteria provided, single submitter. Criteria: Invitae Variant Classification Sherloc (09022015). Collection method: clinical testing. Allele origin: germline.
Comment: For these reasons, this variant has been classified as Pathogenic. This variant has not been reported in the literature in individuals with SFTPB-related conditions. This variant is not present in population databases (ExAC no frequency). This sequence change creates a premature translational stop signal (p.Trp304*) in the SFTPB gene. It is expected to result in an absent or disrupted protein product. Loss-of-function variants in SFTPB are known to be pathogenic (PMID: 10712351).

Literature cited by the submitters: PubMed 10712351.

NM_000542.5(SFTPB):c.876G>A (p.Trp292Ter)

Gene: SFTPB (surfactant protein B; minus strand). Cytogenetic location: 2p11.2.
Variant type: single nucleotide variant.
Coding change: c.876G>A on transcript NM_000542.5 (MANE Select); coding-DNA position 876, G replaced by A.
Protein change: p.Trp292Ter; replaces tryptophan 292 with a stop codon.
Molecular consequence: nonsense.
Genome position (GRCh38, 1-based): chr2:85,663,472, C>T on the plus strand (G>A on the coding strand, the complement: SFTPB is on the minus strand). VCF-style: chr2-85663472-C-T. GRCh37 (hg19) VCF-style: chr2-85890595-C-T.
Other names: c.876G>A, p.Trp292Ter (NM_001367281.2, NM_198843.4); short protein forms W292*.
Identifiers: ClinVar variation 1418303 (VCV001418303.6), dbSNP rs1677411235, ClinGen allele CA347487519.